The following is an entry in ClinVar:

NM_152732.5(RSPH9):c.202C>T (p.Leu68Phe)

Gene: RSPH9 (radial spoke head component 9; plus strand). Cytogenetic location: 6p21.1.
Variant type: single nucleotide variant.
Coding change: c.202C>T on transcript NM_152732.5 (MANE Select); coding-DNA position 202, C replaced by T.
Protein change: p.Leu68Phe; replaces leucine 68 with phenylalanine.
Molecular consequence: missense variant. On other transcripts: non-coding transcript variant (2).
Genome position (GRCh38, 1-based): chr6:43,645,300, C>T. VCF-style: chr6-43645300-C-T. GRCh37 (hg19) VCF-style: chr6-43613037-C-T.
Other names: p.Leu68Phe; c.202C>T, p.Leu68Phe (NM_001193341.2, NM_001424119.1, NM_001424120.1 and 1 more transcripts); short protein forms L68F.
Identifiers: ClinVar variation 4541162 (VCV004541162.1).
Genomic context (GRCh38, chr6:43,645,300, plus strand): 5'-GGCCGCATCCTTGGCCTCGTCGCCGATTACTACATCGCGCAGGGCCTGAGTGAGGACCAG[C>T]TCGCACCGCGCAAGACGCTCTATAGGTGAGGAGGCCCCCGGGACGGGCTCCCCAGAGGGT-3'
Protein context (NP_689945.2, residues 58-78): YIAQGLSEDQ[Leu68Phe]APRKTLYSLN

ClinVar aggregate classification (germline): Uncertain significance (1 of 4 stars; one submission).

Submission:

Mayo Clinic Laboratories, Mayo Clinic
Classification: Uncertain significance. Last evaluated: 2025-05-20. Review status: criteria provided, single submitter. Criteria: ACMG Guidelines, 2015. Collection method: clinical testing. Allele origin: germline. Observed: 1 variant allele.
Comment: BP4_moderate